The following is an entry in ClinVar:

NM_001126108.2(SLC12A3):c.964G>T (p.Ala322Ser)

Gene: SLC12A3 (solute carrier family 12 member 3; plus strand). Cytogenetic location: 16q13.
Variant type: single nucleotide variant.
Coding change: c.964G>T on transcript NM_001126108.2 (MANE Select); coding-DNA position 964, G replaced by T.
Protein change: p.Ala322Ser; replaces alanine 322 with serine.
Molecular consequence: missense variant.
Genome position (GRCh38, 1-based): chr16:56,872,462, G>T. VCF-style: chr16-56872462-G-T. GRCh37 (hg19) VCF-style: chr16-56906374-G-T.
Other names: c.964G>T (NM_000339.2); c.964G>T, p.Ala322Ser (NM_000339.3); c.961G>T, p.Ala321Ser (NM_001126107.2, NM_001410896.1); short protein forms A321S, A322S.
Identifiers: ClinVar variation 2727416 (VCV002727416.4), dbSNP rs2055110768, ClinGen allele CA395983505.
Genomic context (GRCh38, chr16:56,872,462, plus strand): 5'-GTGGGGACGCTGATCCCCCCATCTGAGGACAAGGCCTCCAAAGGCTTCTTCAGCTACCGG[G>T]GTATGTGCTGATCAAGGCCCTGACCATGGCTCTGGGGACAGGGACTCTCTACCCAGGAAT-3'
Protein context (NP_001119580.2, residues 312-332): KASKGFFSYR[Ala322Ser]DIFVQNLVPD

ClinVar aggregate classification (germline): Uncertain significance. Review status: criteria provided, single submitter (1 of 4 stars). 2 submissions from 2 submitters: Uncertain significance (1). 1 of the submissions does not count toward it. Last evaluated 2024-04-11.

Conditions:
Familial hypokalemia-hypomagnesemia (GTLMNS). Also called: HYPOMAGNESEMIA-HYPOKALEMIA, PRIMARY RENOTUBULAR, WITH HYPOCALCIURIA; POTASSIUM AND MAGNESIUM DEPLETION; gitelman syndrome. Identifiers: Orphanet 358, MedGen C0268450, MONDO:0009904, OMIM 263800.

Allele frequency attached by ClinVar (database versions not stated): TOPMed below 0.00001.

Submissions (2):

Labcorp Genetics (formerly Invitae), Labcorp
Classification: Uncertain significance. Last evaluated: 2024-04-11. Review status: criteria provided, single submitter. Criteria: Invitae Variant Classification Sherloc (09022015). Collection method: clinical testing. Allele origin: germline.
Comment: This sequence change replaces alanine, which is neutral and non-polar, with serine, which is neutral and polar, at codon 322 of the SLC12A3 protein (p.Ala322Ser). This variant also falls at the last nucleotide of exon 7, which is part of the consensus splice site for this exon. This variant is not present in population databases (gnomAD no frequency). This missense change has been observed in individual(s) with Gitelman syndrome (Invitae). In at least one individual the data is consistent with being in trans (on the opposite chromosome) from a pathogenic variant. An algorithm developed to predict the effect of missense changes on protein structure and function (PolyPhen-2) suggests that this variant is likely to be tolerated. Variants that disrupt the consensus splice site are a relatively common cause of aberrant splicing (PMID: 17576681, 9536098). Algorithms developed to predict the effect of sequence changes on RNA splicing suggest that this variant may disrupt the consensus splice site. In summary, the available evidence is currently insufficient to determine the role of this variant in disease. Therefore, it has been classified as a Variant of Uncertain Significance.

Natera, Inc.
Classification: Uncertain significance for Gitelman syndrome. Last evaluated: 2025-03-10. Review status: no assertion criteria provided. Collection method: clinical testing. Allele origin: germline. Not counted in ClinVar's aggregate classification.

Literature cited by the submitters: PubMed 17576681 (cited by Labcorp Genetics (formerly Invitae), Labcorp); PubMed 9536098 (cited by Labcorp Genetics (formerly Invitae), Labcorp).